The following is an entry in ClinVar:

ClinVar aggregate classification (germline): Uncertain significance. Review status: criteria provided, multiple submitters, no conflicts (2 of 4 stars). 3 submissions from 3 submitters: Uncertain significance (3). Last evaluated 2024-06-26.

Conditions:
Severe X-linked myotubular myopathy (CNMX). Also called: MYOTUBULAR MYOPATHY 1; X-linked centronuclear myopathy; Myotubular myopathy, X-linked. Identifiers: Orphanet 596, MedGen C0410203, MONDO:0010683, OMIM 310400.
Inborn genetic diseases. Identifiers: MedGen C0950123, MeSH D030342.

Submissions (3):

Ambry Genetics
Classification: Uncertain significance for Inborn genetic diseases. Last evaluated: 2024-06-26. Review status: criteria provided, single submitter. Criteria: Ambry Variant Classification Scheme 2023. Collection method: clinical testing. Allele origin: germline.

ARUP Laboratories, Molecular Genetics and Genomics, ARUP Laboratories
Classification: Uncertain significance for Severe X-linked myotubular myopathy. Last evaluated: 2023-11-03. Review status: criteria provided, single submitter. Criteria: ARUP Molecular Germline Variant Investigation Process 2024. Collection method: clinical testing. Allele origin: germline.

Labcorp Genetics (formerly Invitae), Labcorp
Classification: Uncertain significance for Severe X-linked myotubular myopathy. Last evaluated: 2019-03-12. Review status: criteria provided, single submitter. Criteria: Invitae Variant Classification Sherloc (09022015). Collection method: clinical testing. Allele origin: germline.
Comment: In summary, the available evidence is currently insufficient to determine the role of this variant in disease. Therefore, it has been classified as a Variant of Uncertain Significance. Algorithms developed to predict the effect of missense changes on protein structure and function (SIFT, PolyPhen-2, Align-GVGD) all suggest that this variant is likely to be tolerated, but these predictions have not been confirmed by published functional studies and their clinical significance is uncertain. This variant has not been reported in the literature in individuals with MTM1-related conditions. This variant is not present in population databases (ExAC no frequency). This sequence change replaces serine with asparagine at codon 395 of the MTM1 protein (p.Ser395Asn). The serine residue is moderately conserved and there is a small physicochemical difference between serine and asparagine.

NM_000252.3(MTM1):c.1184G>A (p.Ser395Asn)

Gene: MTM1 (myotubularin 1; plus strand). Cytogenetic location: Xq28.
Variant type: single nucleotide variant.
Coding change: c.1184G>A on transcript NM_000252.3 (MANE Select); coding-DNA position 1184, G replaced by A.
Protein change: p.Ser395Asn; replaces serine 395 with asparagine.
Molecular consequence: missense variant.
Genome position (GRCh38, 1-based): chrX:150,657,951, G>A. VCF-style: chrX-150657951-G-A. GRCh37 (hg19) VCF-style: chrX-149826424-G-A.
Other names: c.1184G>A, p.Ser395Asn (NM_001376906.1, NM_001376908.1); c.1073G>A, p.Ser358Asn (NM_001376907.1); short protein forms S358N, S395N.
Identifiers: ClinVar variation 848095 (VCV000848095.11), dbSNP rs2040151430, ClinGen allele CA415258645.